The following is an entry in ClinVar:

ClinVar aggregate classification (germline): Uncertain significance. Review status: criteria provided, multiple submitters, no conflicts (2 of 4 stars). 2 submissions from 2 submitters: Uncertain significance (2). Last evaluated 2025-01-23.

Conditions:
Hereditary cancer-predisposing syndrome. Also called: Hereditary neoplastic syndrome; Tumor predisposition; Hereditary Cancer Syndrome; Neoplastic Syndromes, Hereditary. Identifiers: Orphanet 140162, MedGen C0027672, MeSH D009386, MONDO:0015356.
EGFR-related lung cancer (EGFR). Identifiers: MedGen CN130014.

Submissions (2):

Ambry Genetics
Classification: Uncertain significance for Hereditary cancer-predisposing syndrome. Last evaluated: 2025-01-23. Review status: criteria provided, single submitter. Criteria: Ambry Variant Classification Scheme 2023. Collection method: clinical testing. Allele origin: germline.
Comment: The p.P1098L variant (also known as c.3293C>T), located in coding exon 28 of the EGFR gene, results from a C to T substitution at nucleotide position 3293. The proline at codon 1098 is replaced by leucine, an amino acid with similar properties. This amino acid position is conserved. In addition, the in silico prediction for this alteration is inconclusive. Based on the available evidence, the clinical significance of this variant remains unclear.

Labcorp Genetics (formerly Invitae), Labcorp
Classification: Uncertain significance for EGFR-related lung cancer. Last evaluated: 2024-06-21. Review status: criteria provided, single submitter. Criteria: Invitae Variant Classification Sherloc (09022015). Collection method: clinical testing. Allele origin: germline.
Comment: This sequence change replaces proline, which is neutral and non-polar, with leucine, which is neutral and non-polar, at codon 1098 of the EGFR protein (p.Pro1098Leu). This variant is not present in population databases (gnomAD no frequency). This variant has not been reported in the literature in individuals affected with EGFR-related conditions. ClinVar contains an entry for this variant (Variation ID: 2125354). An algorithm developed to predict the effect of missense changes on protein structure and function (PolyPhen-2) suggests that this variant is likely to be tolerated. In summary, the available evidence is currently insufficient to determine the role of this variant in disease. Therefore, it has been classified as a Variant of Uncertain Significance.

NM_005228.5(EGFR):c.3293C>T (p.Pro1098Leu)

Gene: EGFR (epidermal growth factor receptor; plus strand). Cytogenetic location: 7p11.2.
Variant type: single nucleotide variant.
Coding change: c.3293C>T on transcript NM_005228.5 (MANE Select); coding-DNA position 3293, C replaced by T.
Protein change: p.Pro1098Leu; replaces proline 1098 with leucine.
Molecular consequence: missense variant.
Genome position (GRCh38, 1-based): chr7:55,205,277, C>T. VCF-style: chr7-55205277-C-T. GRCh37 (hg19) VCF-style: chr7-55272970-C-T.
Other names: c.3158C>T, p.Pro1053Leu (NM_001346899.2); c.3134C>T, p.Pro1045Leu (NM_001346900.2); c.2492C>T, p.Pro831Leu (NM_001346941.2); short protein forms P831L, P1045L, P1053L, P1098L.
Identifiers: ClinVar variation 2125354 (VCV002125354.5), dbSNP rs2128975101, ClinGen allele CA367584308.
Genomic context (GRCh38, chr7:55,205,277, plus strand): 5'-TTGCTGATTACTTCACCTCTGATTTCTTTCCACTTTCAGAATACATAAACCAGTCCGTTC[C>T]CAAAAGGCCCGCTGGCTCTGTGCAGAATCCTGTCTATCACAATCAGCCTCTGAACCCCGC-3'
Protein context (NP_005219.2, residues 1088-1108): PVPEYINQSV[Pro1098Leu]KRPAGSVQNP